The following is an entry in ClinVar:

NM_001042492.3(NF1):c.3526A>G (p.Arg1176Gly)

Gene: NF1 (neurofibromin 1; plus strand). Cytogenetic location: 17q11.2.
Variant type: single nucleotide variant.
Coding change: c.3526A>G on transcript NM_001042492.3 (MANE Select); coding-DNA position 3526, A replaced by G.
Protein change: p.Arg1176Gly; replaces arginine 1176 with glycine.
Molecular consequence: missense variant.
Genome position (GRCh38, 1-based): chr17:31,233,031, A>G. VCF-style: chr17-31233031-A-G. GRCh37 (hg19) VCF-style: chr17-29560049-A-G.
Other names: c.3526A>G, p.Arg1176Gly (NM_000267.4); short protein forms R1176G.
Identifiers: ClinVar variation 942184 (VCV000942184.7), dbSNP rs2067141694, ClinGen allele CA398989796.

ClinVar aggregate classification (germline): Uncertain significance. Review status: criteria provided, multiple submitters, no conflicts (2 of 4 stars). 2 submissions from 2 submitters: Uncertain significance (2). Last evaluated 2024-07-18.

Conditions:
Hereditary cancer-predisposing syndrome. Also called: Neoplastic Syndromes, Hereditary; Hereditary neoplastic syndrome; Hereditary Cancer Syndrome; Tumor predisposition. Identifiers: Orphanet 140162, MedGen C0027672, MeSH D009386, MONDO:0015356.
Cardiovascular phenotype. Identifiers: MedGen CN230736.
Neurofibromatosis, type 1 (NF1). Also called: Peripheral type neurofibromatosis; Neurofibromatosis, type I; VON RECKLINGHAUSEN DISEASE; NEUROFIBROMATOSIS, TYPE I, SOMATIC. Identifiers: Orphanet 636, MedGen C0027831, MONDO:0018975, OMIM 162200. Disease mechanism: loss of function.

Submissions (2):

Ambry Genetics
Classification: Uncertain significance for Cardiovascular phenotype; Hereditary cancer-predisposing syndrome. Last evaluated: 2024-07-18. Review status: criteria provided, single submitter. Criteria: Ambry Variant Classification Scheme 2023. Collection method: clinical testing. Allele origin: germline.
Comment: The p.R1176G variant (also known as c.3526A>G), located in coding exon 27 of the NF1 gene, results from an A to G substitution at nucleotide position 3526. The arginine at codon 1176 is replaced by glycine, an amino acid with dissimilar properties. This amino acid position is highly conserved in available vertebrate species. In addition, this alteration is predicted to be deleterious by in silico analysis. Based on the available evidence, the clinical significance of this variant remains unclear.

Labcorp Genetics (formerly Invitae), Labcorp
Classification: Uncertain significance for Neurofibromatosis, type 1. Last evaluated: 2023-11-17. Review status: criteria provided, single submitter. Criteria: Invitae Variant Classification Sherloc (09022015). Collection method: clinical testing. Allele origin: germline.
Comment: This sequence change replaces arginine, which is basic and polar, with glycine, which is neutral and non-polar, at codon 1176 of the NF1 protein (p.Arg1176Gly). This variant is not present in population databases (gnomAD no frequency). This missense change has been observed in individual(s) with clinical features of NF1-related conditions (PMID: 21520333). ClinVar contains an entry for this variant (Variation ID: 942184). Advanced modeling of protein sequence and biophysical properties (such as structural, functional, and spatial information, amino acid conservation, physicochemical variation, residue mobility, and thermodynamic stability) performed at Invitae indicates that this missense variant is expected to disrupt NF1 protein function with a positive predictive value of 95%. In summary, the available evidence is currently insufficient to determine the role of this variant in disease. Therefore, it has been classified as a Variant of Uncertain Significance.

Literature cited by the submitters: PubMed 21520333 (cited by Labcorp Genetics (formerly Invitae), Labcorp).